The following is an entry in ClinVar:

ClinVar aggregate classification (germline): Uncertain significance. Review status: criteria provided, multiple submitters, no conflicts (2 of 4 stars). 2 submissions from 2 submitters: Uncertain significance (2). Last evaluated 2025-12-03.

gnomAD v4.1: 6 of 1,614,016 alleles (0.00037%); highest among the groups gnomAD compares: Non-Finnish European, 0.00051%; no homozygotes.

Submissions (2):

Labcorp Genetics (formerly Invitae), Labcorp
Classification: Uncertain significance. Last evaluated: 2025-12-03. Review status: criteria provided, single submitter. Criteria: Invitae Variant Classification Sherloc (09022015). Collection method: clinical testing. Allele origin: germline.
Comment: This sequence change replaces arginine, which is basic and polar, with glutamine, which is neutral and polar, at codon 2061 of the SRCAP protein (p.Arg2061Gln). This variant is not present in population databases (gnomAD no frequency). This variant has not been reported in the literature in individuals affected with SRCAP-related conditions. ClinVar contains an entry for this variant (Variation ID: 3371564). Invitae Evidence Modeling of protein sequence and biophysical properties (such as structural, functional, and spatial information, amino acid conservation, physicochemical variation, residue mobility, and thermodynamic stability) indicates that this missense variant is expected to disrupt SRCAP protein function with a positive predictive value of 80%. In summary, the available evidence is currently insufficient to determine the role of this variant in disease. Therefore, it has been classified as a Variant of Uncertain Significance.

GeneDx
Classification: Uncertain significance. Last evaluated: 2025-08-10. Review status: criteria provided, single submitter. Criteria: GeneDx Variant Classification Process June 2021. Collection method: clinical testing. Allele origin: germline. Affected: yes.
Comment: Not observed at significant frequency in large population cohorts (gnomAD); In silico analysis supports that this missense variant has a deleterious effect on protein structure/function; Has not been previously published as pathogenic or benign to our knowledge

NM_006662.3(SRCAP):c.6182G>A (p.Arg2061Gln)

Gene: SRCAP (Snf2 related CREBBP activator protein; plus strand). Cytogenetic location: 16p11.2.
Variant type: single nucleotide variant.
Coding change: c.6182G>A on transcript NM_006662.3 (MANE Select); coding-DNA position 6182, G replaced by A.
Protein change: p.Arg2061Gln; replaces arginine 2061 with glutamine.
Molecular consequence: missense variant.
Genome position (GRCh38, 1-based): chr16:30,733,334, G>A. VCF-style: chr16-30733334-G-A. GRCh37 (hg19) VCF-style: chr16-30744655-G-A.
Other names: short protein forms R2061Q.
Identifiers: ClinVar variation 3371564 (VCV003371564.3).